The following is an entry in ClinVar:

ClinVar aggregate classification (germline): Uncertain significance (1 of 4 stars; one submission).

Allele frequency attached by ClinVar (database versions not stated): gnomAD exomes below 0.00001.

Submission:

Labcorp Genetics (formerly Invitae), Labcorp
Classification: Uncertain significance. Last evaluated: 2023-11-06. Review status: criteria provided, single submitter. Criteria: Invitae Variant Classification Sherloc (09022015). Collection method: clinical testing. Allele origin: germline.
Comment: This sequence change replaces glutamine, which is neutral and polar, with glutamic acid, which is acidic and polar, at codon 1418 of the GPR179 protein (p.Gln1418Glu). This variant is present in population databases (no rsID available, gnomAD 0.0009%). This variant has not been reported in the literature in individuals affected with GPR179-related conditions. ClinVar contains an entry for this variant (Variation ID: 1365037). An algorithm developed to predict the effect of missense changes on protein structure and function (PolyPhen-2) suggests that this variant is likely to be tolerated. In summary, the available evidence is currently insufficient to determine the role of this variant in disease. Therefore, it has been classified as a Variant of Uncertain Significance.

NM_001004334.4(GPR179):c.4252C>G (p.Gln1418Glu)

Gene: GPR179 (G protein-coupled receptor 179; minus strand). Cytogenetic location: 17q12.
Variant type: single nucleotide variant.
Coding change: c.4252C>G on transcript NM_001004334.4 (MANE Select); coding-DNA position 4252, C replaced by G.
Protein change: p.Gln1418Glu; replaces glutamine 1418 with glutamic acid.
Molecular consequence: missense variant.
Genome position (GRCh38, 1-based): chr17:38,329,317, G>C on the plus strand (C>G on the coding strand, the complement: GPR179 is on the minus strand). VCF-style: chr17-38329317-G-C. GRCh37 (hg19) VCF-style: chr17-36485200-G-C.
Other names: short protein forms Q1418E.
Identifiers: ClinVar variation 1365037 (VCV001365037.6), dbSNP rs1340814336, ClinGen allele CA398877280.